The following is an entry in ClinVar:

NM_000091.5(COL4A3):c.26C>T (p.Pro9Leu)

Genes: COL4A3 (collagen type IV alpha 3 chain; plus strand), LOC129935730 (ATAC-STARR-seq lymphoblastoid silent region 12397; plus strand). Cytogenetic location: 2q36.3.
Variant type: single nucleotide variant.
Coding change: c.26C>T on transcript NM_000091.5 (MANE Select); coding-DNA position 26, C replaced by T.
Protein change: p.Pro9Leu; replaces proline 9 with leucine.
Molecular consequence: missense variant.
Genome position (GRCh38, 1-based): chr2:227,164,752, C>T. VCF-style: chr2-227164752-C-T. GRCh37 (hg19) VCF-style: chr2-228029468-C-T.
Other names: short protein forms P9L.
Identifiers: ClinVar variation 2501557 (VCV002501557.4), dbSNP rs773820821, ClinGen allele CA66565451.

ClinVar aggregate classification (germline): Uncertain significance. Review status: criteria provided, multiple submitters, no conflicts (2 of 4 stars). 4 submissions from 4 submitters: Uncertain significance (4). Last evaluated 2024-11-22.

Conditions:
Autosomal dominant Alport syndrome (ATS3A). Also called: Alport syndrome dominant type; Renal failure and sensorineural hearing loss; ALPORT SYNDROME 3A, AUTOSOMAL DOMINANT. Identifiers: Orphanet 63, Orphanet 88918, MedGen C5882663, MONDO:0007086, OMIM 104200.
Hematuria, benign familial, 2 (BFH2). Identifiers: MedGen C5830421, MONDO:0958186, OMIM 620320.
Alport syndrome 3b, autosomal recessive. Identifiers: MedGen C5882699, MONDO:0957811, OMIM 620536.

Allele frequency attached by ClinVar (database versions not stated): gnomAD 0.00001; TOPMed 0.00001; gnomAD exomes 0.00007.
gnomAD v4.1: 99 of 1,526,230 alleles (0.0065%); highest among the groups gnomAD compares: Non-Finnish European, 0.0082%; no homozygotes.

Submissions (4):

Labcorp Genetics (formerly Invitae), Labcorp
Classification: Uncertain significance. Last evaluated: 2024-11-22. Review status: criteria provided, single submitter. Criteria: Invitae Variant Classification Sherloc (09022015). Collection method: clinical testing. Allele origin: germline.
Comment: This sequence change replaces proline, which is neutral and non-polar, with leucine, which is neutral and non-polar, at codon 9 of the COL4A3 protein (p.Pro9Leu). This variant is present in population databases (rs773820821, gnomAD 0.01%). This variant has not been reported in the literature in individuals affected with COL4A3-related conditions. ClinVar contains an entry for this variant (Variation ID: 2501557). Invitae Evidence Modeling of protein sequence and biophysical properties (such as structural, functional, and spatial information, amino acid conservation, physicochemical variation, residue mobility, and thermodynamic stability) indicates that this missense variant is not expected to disrupt COL4A3 protein function with a negative predictive value of 95%. In summary, the available evidence is currently insufficient to determine the role of this variant in disease. Therefore, it has been classified as a Variant of Uncertain Significance.

Fulgent Genetics
Classification: Uncertain significance for Autosomal dominant Alport syndrome; Hematuria, benign familial, 2; Alport syndrome 3b, autosomal recessive. Last evaluated: 2024-04-02. Review status: criteria provided, single submitter. Criteria: ACMG Guidelines, 2015. Collection method: clinical testing. Allele origin: germline.

Women's Health and Genetics/Laboratory Corporation of America, LabCorp
Classification: Uncertain significance. Last evaluated: 2023-12-13. Review status: criteria provided, single submitter. Criteria: LabCorp Variant Classification Summary - May 2015. Collection method: clinical testing. Allele origin: germline.
Comment: Variant summary: COL4A3 c.26C>T (p.Pro9Leu) results in a non-conservative amino acid change in the encoded protein sequence. Three of four in-silico tools predict a benign effect of the variant on protein function. The variant allele was found at a frequency of 5.8e-05 in 121312 control chromosomes. The available data on variant occurrences in the general population are insufficient to allow any conclusion about variant significance. To our knowledge, no occurrence of c.26C>T in individuals affected with Alport Syndrome, Autosomal Recessive and no experimental evidence demonstrating its impact on protein function have been reported. One submitter has cited clinical-significance assessments for this variant to ClinVar after 2014 and has classified the variant as uncertain significance. Based on the evidence outlined above, the variant was classified as uncertain significance.

GeneDx
Classification: Uncertain significance. Last evaluated: 2022-11-08. Review status: criteria provided, single submitter. Criteria: GeneDx Variant Classification Process June 2021. Collection method: clinical testing. Allele origin: germline. Affected: yes.
Comment: In silico analysis supports that this missense variant does not alter protein structure/function; Has not been previously published as pathogenic or benign to our knowledge